The following is an entry in ClinVar:

NM_024120.5(NDUFAF5):c.263+2T>C

Gene: NDUFAF5 (NADH:ubiquinone oxidoreductase complex assembly factor 5; plus strand). Cytogenetic location: 20p12.1.
Variant type: single nucleotide variant.
Coding change: c.263+2T>C on transcript NM_024120.5 (MANE Select); the canonical splice donor site of the intron after coding-DNA position 263, T replaced by C.
Molecular consequence: splice donor variant.
Genome position (GRCh38, 1-based): chr20:13,787,354, T>C. VCF-style: chr20-13787354-T-C. GRCh37 (hg19) VCF-style: chr20-13768000-T-C.
Other names: c.-299+2T>C (NM_001352407.2); c.-319+2T>C (NM_001352406.2); c.263+2T>C (NM_001039375.3, NM_001352408.2); c.-105+2T>C (NM_001352403.2).
Identifiers: ClinVar variation 2755003 (VCV002755003.3), dbSNP rs2506221301, ClinGen allele CA408282604.
Genomic context (GRCh38, chr20:13,787,354, plus strand): 5'-CCTCGTGTAATCCTTCAGGTTGGAAGTCGGATCGCAGACCGTGTATATGACATACCCAGG[T>C]AAGTGGTGGTGATCATAATACAATACCATCAACTTTTGAGTGGAAATTCAGGAGATTAAA-3'

ClinVar aggregate classification (germline): Likely pathogenic (1 of 4 stars; one submission).

Submission:

Labcorp Genetics (formerly Invitae), Labcorp
Classification: Likely pathogenic. Last evaluated: 2023-08-24. Review status: criteria provided, single submitter. Criteria: Invitae Variant Classification Sherloc (09022015). Collection method: clinical testing. Allele origin: germline.
Comment: This sequence change affects a donor splice site in intron 2 of the NDUFAF5 gene. It is expected to disrupt RNA splicing. Variants that disrupt the donor or acceptor splice site typically lead to a loss of protein function (PMID: 16199547), and loss-of-function variants in NDUFAF5 are known to be pathogenic (PMID: 26275793, 30473481, 32918965). This variant is not present in population databases (gnomAD no frequency). This variant has not been reported in the literature in individuals affected with NDUFAF5-related conditions. Algorithms developed to predict the effect of sequence changes on RNA splicing suggest that this variant may disrupt the consensus splice site. In summary, the currently available evidence indicates that the variant is pathogenic, but additional data are needed to prove that conclusively. Therefore, this variant has been classified as Likely Pathogenic.

Literature cited by the submitters: PubMed 16199547; PubMed 26275793; PubMed 30473481; PubMed 32918965.